The following is an entry in ClinVar:

NM_004211.5(SLC6A5):c.2295C>T (p.His765=)

Gene: SLC6A5 (solute carrier family 6 member 5; plus strand). Cytogenetic location: 11p15.1.
Variant type: single nucleotide variant.
Coding change: c.2295C>T on transcript NM_004211.5 (MANE Select); coding-DNA position 2295, C replaced by T.
Protein change: p.His765=; no amino-acid change (histidine 765 retained).
Molecular consequence: synonymous variant.
Genome position (GRCh38, 1-based): chr11:20,654,769, C>T. VCF-style: chr11-20654769-C-T. GRCh37 (hg19) VCF-style: chr11-20676315-C-T.
Other names: c.1593C>T, p.His531= (NM_001318369.2); c.2295C>T (NM_004211.4).
Identifiers: ClinVar variation 730594 (VCV000730594.12), dbSNP rs147975180, ClinGen allele CA5921758.
Genomic context (GRCh38, chr11:20,654,769, plus strand): 5'-GCAGAGGCTGAAGTTGGTGTGCTCGCCACAGCCGGACTGGGGCCCATTCTTAGCTCAACA[C>T]CGCGGGGAGCGTTACAAGAACATGATCGACCCCTTGGGAACCTCTTCCTTGGGACTCAAA-3'
Protein context (NP_004202.4, residues 755-775): QPDWGPFLAQ[His765=]RGERYKNMID

ClinVar aggregate classification (germline): Benign/Likely benign. Review status: criteria provided, multiple submitters, no conflicts (2 of 4 stars). 3 submissions from 3 submitters: Benign (1); Likely benign (1). 1 of the submissions does not count toward it. Last evaluated 2026-02-03.

Conditions:
SLC6A5-related disorder. Also called: SLC6A5-related condition.
Hyperekplexia 3 (HKPX3). Also called: HYPEREKPLEXIA 3, AUTOSOMAL RECESSIVE; HYPEREKPLEXIA 3, AUTOSOMAL DOMINANT. Identifiers: Orphanet 3197, MedGen C3553288, MONDO:0013827, OMIM 614618.

Allele frequency attached by ClinVar (database versions not stated): ESP Exome Variant Server 0.00185; gnomAD exomes 0.00013 and 0.00033; ExAC 0.00042; 1000 Genomes Project 30x 0.00078; 1000 Genomes Project 0.00100; TOPMed 0.00135; gnomAD 0.00136 and 0.00147.
gnomAD v4.1: 405 of 1,614,124 alleles (0.025%); highest among the groups gnomAD compares: African/African-American, 0.51%; 1 homozygote.

Submissions (3):

Labcorp Genetics (formerly Invitae), Labcorp
Classification: Benign for Hyperekplexia 3. Last evaluated: 2026-02-03. Review status: criteria provided, single submitter. Criteria: Invitae Variant Classification Sherloc (09022015). Collection method: clinical testing. Allele origin: germline.

Blueprint Genetics
Classification: Likely benign. Last evaluated: 2024-03-28. Review status: criteria provided, single submitter. Criteria: ACMG Guidelines, 2015. Collection method: clinical testing. Allele origin: germline.

PreventionGenetics, part of Exact Sciences
Classification: Likely benign for SLC6A5-related condition. Last evaluated: 2019-08-13. Review status: no assertion criteria provided. Collection method: clinical testing. Allele origin: germline. Not counted in ClinVar's aggregate classification.
Comment: This variant is classified as likely benign based on ACMG/AMP sequence variant interpretation guidelines (Richards et al. 2015 PMID: 25741868, with internal and published modifications).